The following is an entry in ClinVar:

NM_001013838.3(CARMIL2):c.490dup (p.Ala164fs)

Gene: CARMIL2 (capping protein regulator and myosin 1 linker 2; plus strand). Cytogenetic location: 16q22.1.
Variant type: Duplication.
Coding change: c.490dup on transcript NM_001013838.3 (MANE Select); coding-DNA position 490, one base duplicated (G; older notation c.490dupG).
Protein change: p.Ala164fs; shifts the reading frame from alanine 164.
Molecular consequence: frameshift variant.
Genome position (GRCh38, 1-based): chr16:67,646,737, G duplicated; the last of 2 consecutive G bases (chr16:67,646,736-67,646,737); duplicating either gives the same sequence. VCF-style (leftmost placement, unchanged base first): chr16-67646735-A-AG. GRCh37 (hg19) VCF-style: chr16-67680638-A-AG.
Other names: c.490dup, p.Ala164fs (NM_001317026.3); short protein forms A164fs.
Identifiers: ClinVar variation 266035 (VCV000266035.4), dbSNP rs886041043, ClinGen allele CA10602468.

ClinVar aggregate classification (germline): Pathogenic. Review status: no assertion criteria provided (0 of 4 stars). 2 submissions from 2 submitters: Pathogenic (2). Last evaluated 2018-10-01.

Conditions:
Severe combined immunodeficiency due to CARMIL2 deficiency. Also called: IMMUNODEFICIENCY 58. Identifiers: Orphanet 542301, MedGen C4748304, MONDO:0029134, OMIM 618131.
Combined immunodeficiency. Also called: Combined T and B cell immunodeficiency; Congenital combined immunodeficiency. Identifiers: Orphanet 101972, MedGen C2711630, MONDO:0015131, HP:0005387.

Submissions (2):

OMIM
Classification: Pathogenic for IMMUNODEFICIENCY 58. Last evaluated: 2018-10-01. Review status: no assertion criteria provided. Collection method: literature only. Allele origin: germline.

Klein lab, Ludwig-Maximilians-University
Classification: Pathogenic for Combined immunodeficiency. Last evaluated: 2016-10-01. Review status: no assertion criteria provided. Collection method: research. Allele origin: germline. Inheritance: Autosomal recessive inheritance. Affected: yes. Observed: 2 variant alleles, 2 homozygotes.
Comment: Experimentally proven primary immunodeficiency; combined immunodeficiency

Literature cited by the submitters: PubMed 28112205 (cited by OMIM).